The following is an entry in ClinVar:

NM_000059.4(BRCA2):c.614G>T (p.Ser205Ile)

Gene: BRCA2 (BRCA2 DNA repair associated; plus strand). Cytogenetic location: 13q13.1.
Variant type: single nucleotide variant.
Coding change: c.614G>T on transcript NM_000059.4 (MANE Select); coding-DNA position 614, G replaced by T.
Protein change: p.Ser205Ile; replaces serine 205 with isoleucine.
Molecular consequence: missense variant. On other transcripts: non-coding transcript variant (1).
Genome position (GRCh38, 1-based): chr13:32,326,596, G>T. VCF-style: chr13-32326596-G-T. GRCh37 (hg19) VCF-style: chr13-32900733-G-T.
Other names: c.614G>T, p.Ser205Ile (NM_001406719.1, NM_001406720.1, NM_001406721.1 and 1 more transcripts); c.245G>T, p.Ser82Ile (NM_001406722.1); short protein forms S205I, S82I.
Identifiers: ClinVar variation 3636415 (VCV003636415.2).

ClinVar aggregate classification (germline): Uncertain significance (1 of 4 stars; one submission).

Conditions:
Hereditary breast ovarian cancer syndrome. Also called: Hereditary breast and ovarian cancer syndrome; Hereditary breast and ovarian cancer syndrome (HBOC); BRCA1- and BRCA2-Associated Hereditary Breast and Ovarian Cancer; Hereditary breast and ovarian cancer; Breast and ovarian cancer; Hereditary breast and/or ovarian cancer syndrome. Identifiers: Orphanet 145, MedGen C0677776, MeSH D061325, MONDO:0003582. Disease mechanism: loss of function.

Submission:

Labcorp Genetics (formerly Invitae), Labcorp
Classification: Uncertain significance for Hereditary breast ovarian cancer syndrome. Last evaluated: 2024-11-19. Review status: criteria provided, single submitter. Criteria: Invitae Variant Classification Sherloc (09022015). Collection method: clinical testing. Allele origin: germline.
Comment: This sequence change replaces serine, which is neutral and polar, with isoleucine, which is neutral and non-polar, at codon 205 of the BRCA2 protein (p.Ser205Ile). This variant is not present in population databases (gnomAD no frequency). This variant has not been reported in the literature in individuals affected with BRCA2-related conditions. Invitae Evidence Modeling of protein sequence and biophysical properties (such as structural, functional, and spatial information, amino acid conservation, physicochemical variation, residue mobility, and thermodynamic stability) indicates that this missense variant is not expected to disrupt BRCA2 protein function with a negative predictive value of 95%. In summary, the available evidence is currently insufficient to determine the role of this variant in disease. Therefore, it has been classified as a Variant of Uncertain Significance.